The following is an entry in ClinVar:

NM_001184.4(ATR):c.623C>T (p.Thr208Ile)

Gene: ATR (ATR checkpoint kinase; minus strand). Cytogenetic location: 3q23.
Variant type: single nucleotide variant.
Coding change: c.623C>T on transcript NM_001184.4 (MANE Select); coding-DNA position 623, C replaced by T.
Protein change: p.Thr208Ile; replaces threonine 208 with isoleucine.
Molecular consequence: missense variant.
Genome position (GRCh38, 1-based): chr3:142,562,779, G>A on the plus strand (C>T on the coding strand, the complement: ATR is on the minus strand). VCF-style: chr3-142562779-G-A. GRCh37 (hg19) VCF-style: chr3-142281621-G-A.
Other names: c.623C>T, p.Thr208Ile (NM_001354579.2); short protein forms T208I.
Identifiers: ClinVar variation 1752375 (VCV001752375.5), dbSNP rs763494560, ClinGen allele CA2650743.

ClinVar aggregate classification (germline): Uncertain significance. Review status: criteria provided, multiple submitters, no conflicts (2 of 4 stars). 2 submissions from 2 submitters: Uncertain significance (2). Last evaluated 2025-07-30.

Conditions:
Inborn genetic diseases. Identifiers: MedGen C0950123, MeSH D030342.

Allele frequency attached by ClinVar (database versions not stated): gnomAD 0.00001; gnomAD exomes below 0.00001; TOPMed below 0.00001; ExAC 0.00001.
gnomAD v4.1: 8 of 1,608,544 alleles (0.0005%); highest among the groups gnomAD compares: Non-Finnish European, 0.00059%; no homozygotes.

Submissions (2):

Labcorp Genetics (formerly Invitae), Labcorp
Classification: Uncertain significance. Last evaluated: 2025-07-30. Review status: criteria provided, single submitter. Criteria: Invitae Variant Classification Sherloc (09022015). Collection method: clinical testing. Allele origin: germline.
Comment: This sequence change replaces threonine, which is neutral and polar, with isoleucine, which is neutral and non-polar, at codon 208 of the ATR protein (p.Thr208Ile). This variant is present in population databases (rs763494560, gnomAD 0.002%). This variant has not been reported in the literature in individuals affected with ATR-related conditions. ClinVar contains an entry for this variant (Variation ID: 1752375). An algorithm developed to predict the effect of missense changes on protein structure and function (PolyPhen-2) suggests that this variant is likely to be tolerated. In summary, the available evidence is currently insufficient to determine the role of this variant in disease. Therefore, it has been classified as a Variant of Uncertain Significance.

Ambry Genetics
Classification: Uncertain significance for Inborn genetic diseases. Last evaluated: 2022-02-12. Review status: criteria provided, single submitter. Criteria: Ambry Variant Classification Scheme 2023. Collection method: clinical testing. Allele origin: germline.
Comment: The p.T208I variant (also known as c.623C>T), located in coding exon 4 of the ATR gene, results from a C to T substitution at nucleotide position 623. The threonine at codon 208 is replaced by isoleucine, an amino acid with similar properties. This amino acid position is conserved. In addition, this alteration is predicted to be tolerated by in silico analysis. Since supporting evidence is limited at this time, the clinical significance of this alteration remains unclear.